The following is an entry in ClinVar:

NM_001844.5(COL2A1):c.3328-20G>T

Gene: COL2A1 (collagen type II alpha 1 chain; minus strand). Cytogenetic location: 12q13.11.
Variant type: single nucleotide variant.
Coding change: c.3328-20G>T on transcript NM_001844.5 (MANE Select); 20 bases into the intron before coding-DNA position 3328, G replaced by T.
Molecular consequence: intron variant.
Genome position (GRCh38, 1-based): chr12:47,976,939, C>A on the plus strand (G>T on the coding strand, the complement: COL2A1 is on the minus strand). VCF-style: chr12-47976939-C-A. GRCh37 (hg19) VCF-style: chr12-48370722-C-A.
Other names: c.3121-20G>T (NM_033150.3).
Identifiers: ClinVar variation 258233 (VCV000258233.26), dbSNP rs73297150, ClinGen allele CA6534784.
Genomic context (GRCh38, chr12:47,976,939, plus strand): 5'-TCTCCAGCCTCTCCTTTGTCACCTCTGGGGCCTTGAGGACCCTGGGAACAAGACAGACAC[C>A]GATTGAGTCAGGTCAGGGCCAGGACAGGAGCCCCCTCCTGTCCCACCCAAGCTGAGGAAT-3'

ClinVar aggregate classification (germline): Benign. Review status: criteria provided, multiple submitters, no conflicts (2 of 4 stars). 7 submissions from 7 submitters: Benign (5). 2 of the submissions do not count toward it. Last evaluated 2026-05-09.

Allele frequency attached by ClinVar (database versions not stated): TOPMed 0.02447; ESP Exome Variant Server 0.02753; 1000 Genomes Project 0.02855; gnomAD 0.02225; 1000 Genomes Project 30x 0.03107.
gnomAD v4.1: 6,893 of 1,585,824 alleles (0.43%); highest among the groups gnomAD compares: African/African-American, 7.9%; 285 homozygotes.

Submissions (7):

Women's Health and Genetics/Laboratory Corporation of America, LabCorp
Classification: Benign. Last evaluated: 2026-05-09. Review status: criteria provided, single submitter. Criteria: LabCorp Variant Classification Summary - May 2015. Collection method: clinical testing. Allele origin: germline.

Labcorp Genetics (formerly Invitae), Labcorp
Classification: Benign. Last evaluated: 2026-02-03. Review status: criteria provided, single submitter. Criteria: Invitae Variant Classification Sherloc (09022015). Collection method: clinical testing. Allele origin: germline.

ARUP Laboratories, Molecular Genetics and Genomics, ARUP Laboratories
Classification: Benign. Last evaluated: 2024-12-20. Review status: criteria provided, single submitter. Criteria: ARUP Molecular Germline Variant Investigation Process 2024. Collection method: clinical testing. Allele origin: germline.

GeneDx
Classification: Benign. Last evaluated: 2016-10-10. Review status: criteria provided, single submitter. Criteria: GeneDx Variant Classification (06012015). Collection method: clinical testing. Allele origin: germline. Affected: yes.
Comment: This variant is considered likely benign or benign based on one or more of the following criteria: it is a conservative change, it occurs at a poorly conserved position in the protein, it is predicted to be benign by multiple in silico algorithms, and/or has population frequency not consistent with disease.

PreventionGenetics, part of Exact Sciences
Classification: Benign. Review status: criteria provided, single submitter. Criteria: ACMG Guidelines, 2015. Collection method: clinical testing. Allele origin: germline.

Genome Diagnostics Laboratory, Amsterdam University Medical Center
Classification: Benign. Review status: no assertion criteria provided. Collection method: clinical testing. Allele origin: germline. Affected: yes. Study: VKGL Data-share Consensus. Not counted in ClinVar's aggregate classification.

Joint Genome Diagnostic Labs from Nijmegen and Maastricht, Radboudumc and MUMC+
Classification: Benign. Review status: no assertion criteria provided. Collection method: clinical testing. Allele origin: germline. Affected: yes. Study: VKGL Data-share Consensus. Not counted in ClinVar's aggregate classification.